The following is an entry in ClinVar:

ClinVar aggregate classification (germline): Uncertain significance. Review status: criteria provided, multiple submitters, no conflicts (2 of 4 stars). 2 submissions from 2 submitters: Uncertain significance (2). Last evaluated 2025-02-02.

Conditions:
Familial hypocalciuric hypercalcemia (FHH). Also called: Familial benign hypercalcemia. Identifiers: Orphanet 405, MedGen C1809471, MONDO:0018458.
Autosomal dominant hypocalcemia 1 (HYPOC1). Also called: HYPOCALCEMIA, FAMILIAL. Identifiers: MedGen C3715128, MONDO:0011013, OMIM 601198.
Nephrolithiasis/nephrocalcinosis. Identifiers: MedGen CN580796.

gnomAD v4.1: 1 of 1,614,182 alleles (0.000062%); highest among the groups gnomAD compares: Non-Finnish European, 0.000085%; no homozygotes.

Submissions (2):

Labcorp Genetics (formerly Invitae), Labcorp
Classification: Uncertain significance for Familial hypocalciuric hypercalcemia; Autosomal dominant hypocalcemia 1. Last evaluated: 2025-02-02. Review status: criteria provided, single submitter. Criteria: Invitae Variant Classification Sherloc (09022015). Collection method: clinical testing. Allele origin: germline.
Comment: This sequence change replaces histidine, which is basic and polar, with leucine, which is neutral and non-polar, at codon 413 of the CASR protein (p.His413Leu). This variant is not present in population databases (gnomAD no frequency). This variant has not been reported in the literature in individuals affected with CASR-related conditions. ClinVar contains an entry for this variant (Variation ID: 532598). An algorithm developed to predict the effect of missense changes on protein structure and function (PolyPhen-2) suggests that this variant is likely to be disruptive. Experimental studies have shown that this missense change does not substantially affect CASR function (PMID: 24394414). In summary, the available evidence is currently insufficient to determine the role of this variant in disease. Therefore, it has been classified as a Variant of Uncertain Significance.

Ambry Genetics
Classification: Uncertain significance for Nephrolithiasis/nephrocalcinosis. Last evaluated: 2024-03-26. Review status: criteria provided, single submitter. Criteria: Ambry Variant Classification Scheme 2023. Collection method: clinical testing. Allele origin: germline.
Comment: The p.H413L variant (also known as c.1238A>T), located in coding exon 3 of the CASR gene, results from an A to T substitution at nucleotide position 1238. The histidine at codon 413 is replaced by leucine, an amino acid with similar properties. Limited functional analysis suggests no significant impact (Zhang C et al. J. Biol. Chem., 2014 Feb;289:5296-309). This amino acid position is highly conserved in available vertebrate species. In addition, this alteration is predicted to be deleterious by in silico analysis. Based on the available evidence, the clinical significance of this alteration remains unclear.

Literature cited by the submitters: PubMed 24394414 (cited by Labcorp Genetics (formerly Invitae), Labcorp and Ambry Genetics).

NM_000388.4(CASR):c.1238A>T (p.His413Leu)

Gene: CASR (calcium sensing receptor; plus strand). Cytogenetic location: 3q21.1.
Variant type: single nucleotide variant.
Coding change: c.1238A>T on transcript NM_000388.4 (MANE Select); coding-DNA position 1238, A replaced by T.
Protein change: p.His413Leu; replaces histidine 413 with leucine.
Molecular consequence: missense variant.
Genome position (GRCh38, 1-based): chr3:122,262,273, A>T. VCF-style: chr3-122262273-A-T. GRCh37 (hg19) VCF-style: chr3-121981120-A-T.
Other names: c.1238A>T, p.His413Leu (NM_001178065.2); short protein forms H413L.
Identifiers: ClinVar variation 532598 (VCV000532598.14), dbSNP rs1553766896, ClinGen allele CA354152892.